The following is an entry in ClinVar:

ClinVar aggregate classification (germline): Uncertain significance (0 of 4 stars; one submission).

Conditions:
GCH1-related disorder. Also called: GCH1-related condition.

Allele frequency attached by ClinVar (database versions not stated): TOPMed 0.00001.

Submission:

PreventionGenetics, part of Exact Sciences
Classification: Uncertain significance for GCH1-related condition. Last evaluated: 2024-01-30. Review status: no assertion criteria provided. Collection method: clinical testing. Allele origin: germline.
Comment: The GCH1 c.92G>T variant is predicted to result in the amino acid substitution p.Gly31Val. To our knowledge, this variant has not been reported in the literature or in a large population database, indicating this variant is rare. At this time, the clinical significance of this variant is uncertain due to the absence of conclusive functional and genetic evidence.

NM_000161.3(GCH1):c.92G>T (p.Gly31Val)

Genes: GCH1 (GTP cyclohydrolase 1; minus strand), LOC130055692 (ATAC-STARR-seq lymphoblastoid silent region 5776; plus strand). Cytogenetic location: 14q22.2.
Variant type: single nucleotide variant.
Coding change: c.92G>T on transcript NM_000161.3 (MANE Select); coding-DNA position 92, G replaced by T.
Protein change: p.Gly31Val; replaces glycine 31 with valine.
Molecular consequence: missense variant.
Genome position (GRCh38, 1-based): chr14:54,902,572, C>A on the plus strand (G>T on the coding strand, the complement: GCH1 is on the minus strand). VCF-style: chr14-54902572-C-A. GRCh37 (hg19) VCF-style: chr14-55369290-C-A.
Other names: c.92G>T, p.Gly31Val (NM_001024024.2, NM_001024070.2, NM_001024071.2 and 1 more transcripts); short protein forms G31V.
Identifiers: ClinVar variation 3050919 (VCV003050919.2), dbSNP rs1463121244, ClinGen allele CA389794416.
Genomic context (GRCh38, chr14:54,902,572, plus strand): 5'-TCCGCGGGCTGCGCGCTCTTGGCCTCGGGCCGCGGGGGCTTCTCCGCCGGCCTGCTGGGC[C>A]CGGGCCGCGGCGGATCCCGCTCGGGGAACCCATTGCTGCACCTGGCGCCCCGCGGCTTCT-3'
Protein context (NP_000152.1, residues 21-41): GFPERDPPRP[Gly31Val]PSRPAEKPPR